The following is an entry in ClinVar:

ClinVar aggregate classification (germline): Likely benign. Review status: criteria provided, multiple submitters, no conflicts (2 of 4 stars). 2 submissions from 2 submitters: Likely benign (2). Last evaluated 2026-07-01.

Conditions:
Inborn genetic diseases. Identifiers: MedGen C0950123, MeSH D030342.

Allele frequency attached by ClinVar (database versions not stated): ESP Exome Variant Server 0.00008.
gnomAD v4.1: 181 of 1,614,162 alleles (0.011%); highest among the groups gnomAD compares: Middle Eastern, 0.082%; no homozygotes.

Submissions (2):

CeGaT Center for Human Genetics Tuebingen
Classification: Likely benign. Last evaluated: 2026-07-01. Review status: criteria provided, single submitter. Criteria: CeGaT Center For Human Genetics Tuebingen Variant Classification Criteria Version 2. Collection method: clinical testing. Allele origin: germline. Affected: yes. Observed: 5 variant alleles.
Comment: MED13: BP4

Ambry Genetics
Classification: Likely benign for Inborn genetic diseases. Last evaluated: 2021-11-12. Review status: criteria provided, single submitter. Criteria: Ambry Variant Classification Scheme 2023. Collection method: clinical testing. Allele origin: germline.

NM_005121.3(MED13):c.4424C>A (p.Ser1475Tyr)

Gene: MED13 (mediator complex subunit 13; minus strand). Cytogenetic location: 17q23.2.
Variant type: single nucleotide variant.
Coding change: c.4424C>A on transcript NM_005121.3 (MANE Select); coding-DNA position 4424, C replaced by A.
Protein change: p.Ser1475Tyr; replaces serine 1475 with tyrosine.
Molecular consequence: missense variant.
Genome position (GRCh38, 1-based): chr17:61,965,426, G>T on the plus strand (C>A on the coding strand, the complement: MED13 is on the minus strand). VCF-style: chr17-61965426-G-T. GRCh37 (hg19) VCF-style: chr17-60042787-G-T.
Other names: short protein forms S1475Y.
Identifiers: ClinVar variation 2397142 (VCV002397142.24), dbSNP rs199700127, ClinGen allele CA8692417.